The following is an entry in ClinVar:

ClinVar aggregate classification (germline): association (0 of 4 stars; one submission).

Conditions:
Triple-negative breast cancer. Identifiers: MedGen C3539878.

gnomAD v4.1: 8,089 of 1,613,424 alleles (0.5%); highest among the groups gnomAD compares: Admixed American, 7.1%; 230 homozygotes.

Submission:

Hdge Lab, Department of Biotechnology, Mizoram University
Classification: association for Triple-negative breast cancer. Last evaluated: 2026-03-26. Review status: no assertion criteria provided. Collection method: case-control. Allele origin: germline. Affected: yes. Observed: 3 variant alleles.
Comment: Variant identified in a case-control study of TNBC. Allele frequencies were compared between cases and controls. A modest increase in odds ratio was observed (OR=1.250, 95% CI=0.173–9.019). Classified as "association" due to limited evidence.

NM_002318.3(LOXL2):c.1600G>A (p.Gly534Arg)

Gene: LOXL2 (lysyl oxidase like 2; minus strand). Cytogenetic location: 8p21.3.
Variant type: single nucleotide variant.
Coding change: c.1600G>A on transcript NM_002318.3 (MANE Select); coding-DNA position 1600, G replaced by A.
Protein change: p.Gly534Arg; replaces glycine 534 with arginine.
Molecular consequence: missense variant.
Genome position (GRCh38, 1-based): chr8:23,316,985, C>T on the plus strand (G>A on the coding strand, the complement: LOXL2 is on the minus strand). VCF-style: chr8-23316985-C-T. GRCh37 (hg19) VCF-style: chr8-23174498-C-T.
Other names: short protein forms G534R.
Identifiers: ClinVar variation 4819383 (VCV004819383.1), dbSNP rs149587418.